The following is an entry in ClinVar:

ClinVar aggregate classification (germline): Uncertain significance (1 of 4 stars; one submission).

gnomAD v4.1: 16 of 1,598,680 alleles (0.001%); highest among the groups gnomAD compares: Non-Finnish European, 0.0013%; no homozygotes.

Submission:

Labcorp Genetics (formerly Invitae), Labcorp
Classification: Uncertain significance. Last evaluated: 2025-08-21. Review status: criteria provided, single submitter. Criteria: Invitae Variant Classification Sherloc (09022015). Collection method: clinical testing. Allele origin: germline.
Comment: This sequence change replaces glycine, which is neutral and non-polar, with tryptophan, which is neutral and slightly polar, at codon 62 of the FREM2 protein (p.Gly62Trp). The frequency data for this variant in the population databases is considered unreliable, as metrics indicate poor data quality at this position in the gnomAD database. This variant has not been reported in the literature in individuals affected with FREM2-related conditions. ClinVar contains an entry for this variant (Variation ID: 1906496). An algorithm developed to predict the effect of missense changes on protein structure and function (PolyPhen-2) suggests that this variant is likely to be disruptive. In summary, the available evidence is currently insufficient to determine the role of this variant in disease. Therefore, it has been classified as a Variant of Uncertain Significance.

NM_207361.6(FREM2):c.184G>T (p.Gly62Trp)

Gene: FREM2 (FRAS1 related extracellular matrix 2; plus strand). Cytogenetic location: 13q13.3.
Variant type: single nucleotide variant.
Coding change: c.184G>T on transcript NM_207361.6 (MANE Select); coding-DNA position 184, G replaced by T.
Protein change: p.Gly62Trp; replaces glycine 62 with tryptophan.
Molecular consequence: missense variant.
Genome position (GRCh38, 1-based): chr13:38,687,528, G>T. VCF-style: chr13-38687528-G-T. GRCh37 (hg19) VCF-style: chr13-39261665-G-T.
Other names: short protein forms G62W.
Identifiers: ClinVar variation 1906496 (VCV001906496.3), dbSNP rs765534709, ClinGen allele CA6954167.